The following is an entry in ClinVar:

NM_000548.5(TSC2):c.3488C>T (p.Ala1163Val)

Gene: TSC2 (TSC complex subunit 2; plus strand). Cytogenetic location: 16p13.3.
Variant type: single nucleotide variant.
Coding change: c.3488C>T on transcript NM_000548.5 (MANE Select); coding-DNA position 3488, C replaced by T.
Protein change: p.Ala1163Val; replaces alanine 1163 with valine.
Molecular consequence: missense variant.
Genome position (GRCh38, 1-based): chr16:2,080,255, C>T. VCF-style: chr16-2080255-C-T. GRCh37 (hg19) VCF-style: chr16-2130256-C-T.
Other names: c.3356C>T, p.Ala1119Val (NM_001077183.3, NM_001370404.1); c.3488C>T, p.Ala1163Val (NM_001114382.3); c.3248C>T, p.Ala1083Val (NM_001318827.2); c.3212C>T, p.Ala1071Val (NM_001318829.2); c.2756C>T, p.Ala919Val (NM_001318831.2); c.3389C>T, p.Ala1130Val (NM_001318832.2); c.3359C>T, p.Ala1120Val (NM_001363528.2, NM_001370405.1, NM_021055.3); short protein forms A1130V, A1163V, A1119V, A919V, A1071V, A1120V, A1083V.
Identifiers: ClinVar variation 942665 (VCV000942665.11), dbSNP rs1596390123, ClinGen allele CA394289066.
Genomic context (GRCh38, chr16:2,080,255, plus strand): 5'-ACGTGCCGGCCTCCCAGTTCCTGGGCAGTGCCACTTCTCCAGGACCACGGACTGCACCAG[C>T]CGCGAAACCTGAGAAGGCCTCAGCTGGCACCCGGGTTCCTGTGCAGGAGAAGACGAACCT-3'
Protein context (NP_000539.2, residues 1153-1173): ATSPGPRTAP[Ala1163Val]AKPEKASAGT

ClinVar aggregate classification (germline): Uncertain significance. Review status: criteria provided, multiple submitters, no conflicts (2 of 4 stars). 3 submissions from 3 submitters: Uncertain significance (3). Last evaluated 2026-01-12.

Conditions:
Hereditary cancer-predisposing syndrome. Also called: Neoplastic Syndromes, Hereditary; Hereditary neoplastic syndrome; Hereditary Cancer Syndrome; Tumor predisposition. Identifiers: Orphanet 140162, MedGen C0027672, MeSH D009386, MONDO:0015356.
Tuberous sclerosis 2 (TSC2). Identifiers: Orphanet 805, MedGen C1860707, MONDO:0013199, OMIM 613254.
Tuberous sclerosis syndrome (TSC). Also called: Tuberous Sclerosis Complex; Tuberous sclerosis. Identifiers: Orphanet 805, MedGen C0041341, MONDO:0001734.

Allele frequency attached by ClinVar (database versions not stated): gnomAD exomes below 0.00001.
gnomAD v4.1: 1 of 1,612,994 alleles (0.000062%); highest among the groups gnomAD compares: Non-Finnish European, 0.000085%; no homozygotes.

Submissions (3):

Labcorp Genetics (formerly Invitae), Labcorp
Classification: Uncertain significance for Tuberous sclerosis 2. Last evaluated: 2026-01-12. Review status: criteria provided, single submitter. Criteria: Invitae Variant Classification Sherloc (09022015). Collection method: clinical testing. Allele origin: germline.
Comment: This sequence change replaces alanine, which is neutral and non-polar, with valine, which is neutral and non-polar, at codon 1163 of the TSC2 protein (p.Ala1163Val). This variant is not present in population databases (gnomAD no frequency). This variant has not been reported in the literature in individuals affected with TSC2-related conditions. ClinVar contains an entry for this variant (Variation ID: 942665). Invitae Evidence Modeling of protein sequence and biophysical properties (such as structural, functional, and spatial information, amino acid conservation, physicochemical variation, residue mobility, and thermodynamic stability) indicates that this missense variant is not expected to disrupt TSC2 protein function with a negative predictive value of 95%. In summary, the available evidence is currently insufficient to determine the role of this variant in disease. Therefore, it has been classified as a Variant of Uncertain Significance.

Ambry Genetics
Classification: Uncertain significance for Hereditary cancer-predisposing syndrome. Last evaluated: 2025-01-17. Review status: criteria provided, single submitter. Criteria: Ambry Variant Classification Scheme 2023. Collection method: clinical testing. Allele origin: germline.
Comment: The p.A1163V variant (also known as c.3488C>T), located in coding exon 29 of the TSC2 gene, results from a C to T substitution at nucleotide position 3488. The alanine at codon 1163 is replaced by valine, an amino acid with similar properties. This amino acid position is conserved. In addition, the in silico prediction for this alteration is inconclusive. Based on the available evidence, the clinical significance of this variant remains unclear.

All of Us Research Program, National Institutes of Health
Classification: Uncertain significance for Tuberous sclerosis syndrome. Last evaluated: 2023-05-04. Review status: criteria provided, single submitter. Criteria: ACMG Guidelines, 2015. Collection method: clinical testing. Allele origin: germline. Inheritance: Autosomal dominant inheritance. Observed: 1 variant allele, 1 heterozygote.
Comment: This missense variant replaces alanine with valine at codon 1163 of the TSC2 protein. Computational prediction suggests that this variant may not impact protein structure and function (internally defined REVEL score threshold <= 0.5, PMID: 27666373). To our knowledge, functional studies have not been reported for this variant. This variant has not been reported in individuals affected with tuberous sclerosis complex in the literature. This variant has not been identified in the general population by the Genome Aggregation Database (gnomAD). The available evidence is insufficient to determine the role of this variant in disease conclusively. Therefore, this variant is classified as a Variant of Uncertain Significance.

This study involves interpretation of variants in research participants for the purpose of population health screening. Participant phenotype was not available at the time of variant classification. Additional details can be found in publication PMID: 35346344, PMCID: PMC8962531